The following is an entry in ClinVar:

NM_001318895.3(FHL2):c.805G>C (p.Asp269His)

Genes: C2orf49 (chromosome 2 open reading frame 49; plus strand), FHL2 (four and a half LIM domains 2; minus strand). Cytogenetic location: 2q12.2.
Variant type: single nucleotide variant.
Coding change: c.805G>C on transcript NM_001318895.3 (MANE Select); coding-DNA position 805, G replaced by C.
Protein change: p.Asp269His; replaces aspartic acid 269 with histidine.
Molecular consequence: missense variant.
Genome position (GRCh38, 1-based): chr2:105,361,318, C>G on the plus strand (G>C on the coding strand, the complement: FHL2 is on the minus strand). VCF-style: chr2-105361318-C-G. GRCh37 (hg19) VCF-style: chr2-105977775-C-G.
Other names: c.805G>C, p.Asp269His (NM_001039492.3, NM_001318894.1, NM_001318896.2 and 4 more transcripts); c.463G>C, p.Asp155His (NM_001318897.2, NM_001318898.2); c.481G>C, p.Asp161His (NM_001318899.2); short protein forms D269H, D161H, D155H.
Identifiers: ClinVar variation 4751838 (VCV004751838.1).

ClinVar aggregate classification (germline): Uncertain significance (1 of 4 stars; one submission).

Conditions:
Primary dilated cardiomyopathy (DCM). Also called: Dilated Cardiomyopathy. Identifiers: Orphanet 217604, MedGen C0007193, MeSH D002311, MONDO:0005021, HP:0001644. Inheritance: Various modes of inheritance.

gnomAD v4.1: 8 of 1,614,070 alleles (0.0005%); highest among the groups gnomAD compares: Admixed American, 0.013%; no homozygotes.

Submission:

Labcorp Genetics (formerly Invitae), Labcorp
Classification: Uncertain significance for Primary dilated cardiomyopathy. Last evaluated: 2025-07-04. Review status: criteria provided, single submitter. Criteria: Invitae Variant Classification Sherloc (09022015). Collection method: clinical testing. Allele origin: germline.
Comment: This sequence change replaces aspartic acid, which is acidic and polar, with histidine, which is basic and polar, at codon 269 of the FHL2 protein (p.Asp269His). This variant is present in population databases (rs770706113, gnomAD 0.009%). This variant has not been reported in the literature in individuals affected with FHL2-related conditions. Invitae Evidence Modeling of protein sequence and biophysical properties (such as structural, functional, and spatial information, amino acid conservation, physicochemical variation, residue mobility, and thermodynamic stability) indicates that this missense variant is not expected to disrupt FHL2 protein function with a negative predictive value of 80%. In summary, the available evidence is currently insufficient to determine the role of this variant in disease. Therefore, it has been classified as a Variant of Uncertain Significance.